The following is an entry in ClinVar:

ClinVar aggregate classification (germline): Uncertain significance (1 of 4 stars; one submission).

Submission:

Labcorp Genetics (formerly Invitae), Labcorp
Classification: Uncertain significance. Last evaluated: 2023-10-07. Review status: criteria provided, single submitter. Criteria: Invitae Variant Classification Sherloc (09022015). Collection method: clinical testing. Allele origin: germline.
Comment: This sequence change replaces leucine, which is neutral and non-polar, with arginine, which is basic and polar, at codon 37 of the MS4A1 protein (p.Leu37Arg). This variant is not present in population databases (gnomAD no frequency). This variant has not been reported in the literature in individuals affected with MS4A1-related conditions. An algorithm developed to predict the effect of missense changes on protein structure and function (PolyPhen-2) suggests that this variant is likely to be tolerated. In summary, the available evidence is currently insufficient to determine the role of this variant in disease. Therefore, it has been classified as a Variant of Uncertain Significance.

NM_152866.3(MS4A1):c.110T>G (p.Leu37Arg)

Gene: MS4A1 (membrane spanning 4-domains A1; plus strand). Cytogenetic location: 11q12.2.
Variant type: single nucleotide variant.
Coding change: c.110T>G on transcript NM_152866.3 (MANE Select); coding-DNA position 110, T replaced by G.
Protein change: p.Leu37Arg; replaces leucine 37 with arginine.
Molecular consequence: missense variant.
Genome position (GRCh38, 1-based): chr11:60,462,484, T>G. VCF-style: chr11-60462484-T-G. GRCh37 (hg19) VCF-style: chr11-60229957-T-G.
Other names: c.110T>G, p.Leu37Arg (NM_021950.4, NM_152867.2); short protein forms L37R.
Identifiers: ClinVar variation 2766697 (VCV002766697.3), dbSNP rs2495399013, ClinGen allele CA380597929.
Genomic context (GRCh38, chr11:60,462,484, plus strand): 5'-TGAAAGGCCCTATTGCTATGCAATCTGGTCCAAAACCACTCTTCAGGAGGATGTCTTCAC[T>G]GGTGGGCCCCACGCAAAGCTTCTTCATGAGGGAATCTAAGACTTTGGGGGTAAGTCAGTT-3'
Protein context (NP_690605.1, residues 27-47): PKPLFRRMSS[Leu37Arg]VGPTQSFFMR